The following is an entry in ClinVar:

ClinVar aggregate classification (germline): Uncertain significance (1 of 4 stars; one submission).

Submission:

GeneDx
Classification: Uncertain significance. Last evaluated: 2026-01-07. Review status: criteria provided, single submitter. Criteria: GeneDx Variant Classification Process June 2021. Collection method: clinical testing. Allele origin: germline.
Comment: Has not been previously published as pathogenic or benign to our knowledge; Not observed at significant frequency in large population cohorts (gnomAD); In silico analysis suggests that this missense variant does not alter protein structure/function

NM_020433.5(JPH2):c.1322A>G (p.Glu441Gly)

Gene: JPH2 (junctophilin 2; minus strand). Cytogenetic location: 20q13.12.
Variant type: single nucleotide variant.
Coding change: c.1322A>G on transcript NM_020433.5 (MANE Select); coding-DNA position 1322, A replaced by G.
Protein change: p.Glu441Gly; replaces glutamic acid 441 with glycine.
Molecular consequence: missense variant.
Genome position (GRCh38, 1-based): chr20:44,116,353, T>C on the plus strand (A>G on the coding strand, the complement: JPH2 is on the minus strand). VCF-style: chr20-44116353-T-C. GRCh37 (hg19) VCF-style: chr20-42744993-T-C.
Other names: short protein forms E441G.
Identifiers: ClinVar variation 3370047 (VCV003370047.2).
Genomic context (GRCh38, chr20:44,116,353, plus strand): 5'-CCCGCTGCGCCGGCGCCCCGGTCGGGGGGCTCCAGCAGGCTCTCCGAGTTCTCCAGGATC[T>C]CCTGCAGCAGCCGGCGCTTCTGATATTCCGGACCTGCCAGGGCAACACAGGGAGGCTGGG-3'
Protein context (NP_065166.2, residues 431-451): PEYQKRRLLQ[Glu441Gly]ILENSESLLE